The following is an entry in ClinVar:

NM_001110556.2(FLNA):c.3202A>G (p.Ser1068Gly)

Gene: FLNA (filamin A; minus strand). Cytogenetic location: Xq28.
Variant type: single nucleotide variant.
Coding change: c.3202A>G on transcript NM_001110556.2 (MANE Select); coding-DNA position 3202, A replaced by G.
Protein change: p.Ser1068Gly; replaces serine 1068 with glycine.
Molecular consequence: missense variant.
Genome position (GRCh38, 1-based): chrX:154,361,313, T>C on the plus strand (A>G on the coding strand, the complement: FLNA is on the minus strand). VCF-style: chrX-154361313-T-C. GRCh37 (hg19) VCF-style: chrX-153589681-T-C.
Other names: c.3202A>G, p.Ser1068Gly (NM_001456.4); short protein forms S1068G.
Identifiers: ClinVar variation 3365053 (VCV003365053.1).

ClinVar aggregate classification (germline): Uncertain significance (1 of 4 stars; one submission).

gnomAD v4.1: 4 of 1,207,243 alleles (0.00033%); highest among the groups gnomAD compares: Non-Finnish European, 0.00045%; no homozygotes.

Submission:

GeneDx
Classification: Uncertain significance. Last evaluated: 2023-11-30. Review status: criteria provided, single submitter. Criteria: GeneDx Variant Classification Process June 2021. Collection method: clinical testing. Allele origin: germline. Affected: yes.
Comment: Not observed at significant frequency in large population cohorts (gnomAD); In silico analysis supports that this missense variant has a deleterious effect on protein structure/function; Has not been previously published as pathogenic or benign to our knowledge